The following is an entry in ClinVar:

NM_007294.4(BRCA1):c.338A>G (p.Asn113Ser)

Gene: BRCA1 (BRCA1 DNA repair associated; minus strand). Cytogenetic location: 17q21.31.
Variant type: single nucleotide variant.
Coding change: c.338A>G on transcript NM_007294.4 (MANE Select); coding-DNA position 338, A replaced by G.
Protein change: p.Asn113Ser; replaces asparagine 113 with serine.
Molecular consequence: missense variant. On other transcripts: non-coding transcript variant (1).
Genome position (GRCh38, 1-based): chr17:43,104,225, T>C on the plus strand (A>G on the coding strand, the complement: BRCA1 is on the minus strand). VCF-style: chr17-43104225-T-C. GRCh37 (hg19) VCF-style: chr17-41256242-T-C.
Other names: c.128A>G, p.Asn43Ser (NM_001407898.1, NM_001407899.1, NM_001407900.1 and 58 more transcripts); c.338A>G, p.Asn113Ser (NM_001407919.1, NM_001407937.1, NM_001407938.1 and 165 more transcripts); c.197A>G, p.Asn66Ser (NM_001407920.1, NM_001407921.1, NM_001407922.1 and 99 more transcripts); c.-44A>G (NM_001407959.1, NM_001407960.1, NM_001407962.1 and 4 more transcripts); c.329A>G, p.Asn110Ser (NM_001408408.1, NM_001407646.1, NM_001407647.1); c.260A>G, p.Asn87Ser (NM_001408409.1, NM_001408411.1, NM_001408412.1 and 21 more transcripts); c.206A>G, p.Asn69Ser (NM_001408451.1); short protein forms N113S, N66S, N87S, N43S, N110S, N69S.
Identifiers: ClinVar variation 136084 (VCV000136084.10), dbSNP rs587780800, ClinGen allele CA002191.

ClinVar aggregate classification (germline): Uncertain significance. Review status: criteria provided, multiple submitters, no conflicts (2 of 4 stars). 3 submissions from 3 submitters: Uncertain significance (2). 1 of the submissions does not count toward it. Last evaluated 2025-06-07.

Conditions:
Hereditary cancer-predisposing syndrome. Also called: Tumor predisposition; Hereditary neoplastic syndrome; Hereditary Cancer Syndrome; Neoplastic Syndromes, Hereditary. Identifiers: Orphanet 140162, MedGen C0027672, MeSH D009386, MONDO:0015356.
Hereditary breast ovarian cancer syndrome. Also called: Hereditary breast and/or ovarian cancer syndrome; Breast and ovarian cancer; Hereditary breast and ovarian cancer syndrome; Hereditary breast and ovarian cancer; Hereditary breast and ovarian cancer syndrome (HBOC); BRCA1- and BRCA2-Associated Hereditary Breast and Ovarian Cancer. Identifiers: Orphanet 145, MedGen C0677776, MeSH D061325, MONDO:0003582. Disease mechanism: loss of function.
Breast-ovarian cancer, familial, susceptibility to, 1 (BROVCA1). Also called: BRCA1 Hereditary Breast and Ovarian Cancer; OVARIAN CANCER, SUSCEPTIBILITY TO. Identifiers: Orphanet 145, MedGen C2676676, MONDO:0011450, OMIM 604370. Disease mechanism: loss of function.

gnomAD v4.1: 2 of 1,612,856 alleles (0.00012%); highest among the groups gnomAD compares: South Asian, 0.0022%; no homozygotes.

Submissions (3):

Labcorp Genetics (formerly Invitae), Labcorp
Classification: Uncertain significance for Hereditary breast ovarian cancer syndrome. Last evaluated: 2025-06-07. Review status: criteria provided, single submitter. Criteria: Invitae Variant Classification Sherloc (09022015). Collection method: clinical testing. Allele origin: germline.
Comment: This sequence change replaces asparagine, which is neutral and polar, with serine, which is neutral and polar, at codon 113 of the BRCA1 protein (p.Asn113Ser). This variant is not present in population databases (gnomAD no frequency). This variant has not been reported in the literature in individuals affected with BRCA1-related conditions. ClinVar contains an entry for this variant (Variation ID: 136084). Invitae Evidence Modeling of protein sequence and biophysical properties (such as structural, functional, and spatial information, amino acid conservation, physicochemical variation, residue mobility, and thermodynamic stability) indicates that this missense variant is not expected to disrupt BRCA1 protein function with a negative predictive value of 80%. In summary, the available evidence is currently insufficient to determine the role of this variant in disease. Therefore, it has been classified as a Variant of Uncertain Significance.

Ambry Genetics
Classification: Uncertain significance for Hereditary cancer-predisposing syndrome. Last evaluated: 2023-06-08. Review status: criteria provided, single submitter. Criteria: Ambry Variant Classification Scheme 2023. Collection method: clinical testing. Allele origin: germline.
Comment: The p.N113S variant (also known as c.338A>G), located in coding exon 5 of the BRCA1 gene, results from an A to G substitution at nucleotide position 338. The asparagine at codon 113 is replaced by serine, an amino acid with highly similar properties. This amino acid position is not well conserved in available vertebrate species. In addition, the in silico prediction for this alteration is inconclusive. Since supporting evidence is limited at this time, the clinical significance of this alteration remains unclear.

Counsyl
Classification: Uncertain significance for Breast-ovarian cancer, familial, susceptibility to, 1. Last evaluated: 2017-08-09. Review status: no assertion criteria provided. Collection method: clinical testing. Allele origin: unknown. Not counted in ClinVar's aggregate classification.